The following is an entry in ClinVar:

NM_000443.4(ABCB4):c.3280-3C>G

Gene: ABCB4 (ATP binding cassette subfamily B member 4; minus strand). Cytogenetic location: 7q21.12.
Variant type: single nucleotide variant.
Coding change: c.3280-3C>G on transcript NM_000443.4 (MANE Select); 3 bases into the intron before coding-DNA position 3280, C replaced by G.
Molecular consequence: intron variant. On other transcripts: missense variant (1).
Genome position (GRCh38, 1-based): chr7:87,406,497, G>C on the plus strand (C>G on the coding strand, the complement: ABCB4 is on the minus strand). VCF-style: chr7-87406497-G-C. GRCh37 (hg19) VCF-style: chr7-87035813-G-C.
Other names: c.3298C>G, p.Gln1100Glu (NM_018849.3); c.3139-3C>G (NM_018850.3); short protein forms Q1100E.
Identifiers: ClinVar variation 4846363 (VCV004846363.1).

ClinVar aggregate classification (germline): Uncertain significance (1 of 4 stars; one submission).

Conditions:
Familial intrahepatic cholestasis. Identifiers: Orphanet 284385, MedGen CN296401, MONDO:0017290.

Submission:

Genomenon, Inc
Classification: Uncertain significance for Familial intrahepatic cholestasis. Last evaluated: 2026-04-14. Review status: criteria provided, single submitter. Criteria: Genomenon Sequence Variant Interpretation Standards - Updated. Collection method: curation. Allele origin: germline. Affected: yes.
Comment: ABCB4 c.3280-3C>G is an intronic variant located in the acceptor splice region of intron 25. This variant has been observed in at least one proband with an ABCB4-related disorder (PMID:15077010). It is absent or not present at a significant frequency in gnomAD. In silico models predict that this variant is possibly or probably damaging. In conclusion, we classify ABCB4 c.3280-3C>G as a variant of uncertain significance.

Literature cited by the submitters: PubMed 15077010.